The following is an entry in ClinVar:

NM_032776.3(JMJD1C):c.699C>T (p.Val233=)

Gene: JMJD1C (jumonji domain containing 1C; minus strand). Cytogenetic location: 10q21.3.
Variant type: single nucleotide variant.
Coding change: c.699C>T on transcript NM_032776.3 (MANE Select); coding-DNA position 699, C replaced by T.
Protein change: p.Val233=; no amino-acid change (valine 233 retained).
Molecular consequence: synonymous variant. On other transcripts: 5 prime UTR variant (1), non-coding transcript variant (1).
Genome position (GRCh38, 1-based): chr10:63,215,676, G>A on the plus strand (C>T on the coding strand, the complement: JMJD1C is on the minus strand). VCF-style: chr10-63215676-G-A. GRCh37 (hg19) VCF-style: chr10-64975436-G-A.
Other names: c.153C>T, p.Val51= (NM_001282948.2, NM_001318154.2); c.-170C>T (NM_001318153.2); c.585C>T, p.Val195= (NM_001322252.2); c.42C>T, p.Val14= (NM_001322254.2, NM_001322258.2).
Identifiers: ClinVar variation 460276 (VCV000460276.21), dbSNP rs74138760, ClinGen allele CA5518967.
Genomic context (GRCh38, chr10:63,215,676, plus strand): 5'-ACCTTTTAACAAAGAGTGAACAACATCATCTAGAAAGGTCATTTGAACCATAGAAGGATC[G>A]ACATTCTGTGGTTCTAGTACCTAATCCATGATACAAAACAAAAACAAAAATTAAATAGAA-3'
Protein context (NP_116165.1, residues 223-243): MNDQVLEPQN[Val233=]DPSMVQMTFL

ClinVar aggregate classification (germline): Benign/Likely benign. Review status: criteria provided, multiple submitters, no conflicts (2 of 4 stars). 4 submissions from 4 submitters: Benign (2); Likely benign (1). 1 of the submissions does not count toward it. Last evaluated 2026-01-31.

Conditions:
JMJD1C-related disorder. Also called: JMJD1C-related condition.
Early Myoclonic Encephalopathy. Identifiers: MedGen C0270855.

Allele frequency attached by ClinVar (database versions not stated): gnomAD exomes 0.00059 and 0.00116; ExAC 0.00160; 1000 Genomes Project 0.00419; gnomAD 0.00442 and 0.00482; 1000 Genomes Project 30x 0.00484; ESP Exome Variant Server 0.00512; TOPMed 0.00513.
gnomAD v4.1: 1,569 of 1,588,958 alleles (0.099%); highest among the groups gnomAD compares: African/African-American, 1.4%; 8 homozygotes.

Submissions (4):

Labcorp Genetics (formerly Invitae), Labcorp
Classification: Benign for Early Myoclonic Encephalopathy. Last evaluated: 2026-01-31. Review status: criteria provided, single submitter. Criteria: Invitae Variant Classification Sherloc (09022015). Collection method: clinical testing. Allele origin: germline.

CeGaT Center for Human Genetics Tuebingen
Classification: Likely benign. Last evaluated: 2025-10-01. Review status: criteria provided, single submitter. Criteria: CeGaT Center For Human Genetics Tuebingen Variant Classification Criteria Version 2. Collection method: clinical testing. Allele origin: germline. Affected: yes. Observed: 1 variant allele.
Comment: JMJD1C: BP4, BS1

Breakthrough Genomics
Classification: Benign. Review status: criteria provided, single submitter. Criteria: ACMG Guidelines, 2015. Collection method: not provided. Allele origin: germline. Inheritance: Unknown mechanism. Affected: yes.

PreventionGenetics, part of Exact Sciences
Classification: Benign for JMJD1C-related condition. Last evaluated: 2019-10-11. Review status: no assertion criteria provided. Collection method: clinical testing. Allele origin: germline. Not counted in ClinVar's aggregate classification.
Comment: This variant is classified as benign based on ACMG/AMP sequence variant interpretation guidelines (Richards et al. 2015 PMID: 25741868, with internal and published modifications).